The following is an entry in ClinVar:

ClinVar aggregate classification (germline): Likely pathogenic. Review status: criteria provided, multiple submitters, no conflicts (2 of 4 stars). 8 submissions from 8 submitters: Likely pathogenic (8). Last evaluated 2025-11-11.

Conditions:
Familial cancer of breast. Also called: BREAST CANCER, FAMILIAL; Hereditary breast cancer; hereditary breast carcinoma. Identifiers: Orphanet 227535, MedGen C0346153, MONDO:0016419, OMIM 114480. Disease mechanism: loss of function.
Hereditary cancer-predisposing syndrome. Also called: Hereditary Cancer Syndrome; Neoplastic Syndromes, Hereditary; Tumor predisposition; Hereditary neoplastic syndrome. Identifiers: Orphanet 140162, MedGen C0027672, MeSH D009386, MONDO:0015356.

gnomAD v4.1: 4 of 1,611,668 alleles (0.00025%); highest among the groups gnomAD compares: Non-Finnish European, 0.00025%; no homozygotes.

Submissions (8):

Ambry Genetics
Classification: Likely pathogenic for Hereditary cancer-predisposing syndrome. Last evaluated: 2025-11-11. Review status: criteria provided, single submitter. Criteria: Ambry Variant Classification Scheme 2023. Collection method: clinical testing. Allele origin: germline.
Comment: The c.2001+1G>C intronic variant results from a G to C substitution one nucleotide after coding exon 10 of the BARD1 gene. This alteration occurs at the 3' terminus of the BARD1 gene, is not expected to trigger nonsense-mediated mRNA decay, and only impacts the last 17% of amino acids of the protein. The exact functional effect of this alteration is unknown; however, the c.2001+1G>C alteration is located 5&rsquo; to the BARD1 BRCT domain, which has been described as similar to those of the BRCA1 gene, and may be important for ligand binding (Birrane G et al. Biochemistry 2007 Jul; 46(26):7706-12). Also this variant lies upstream of exon 11, in which other truncating variants have been determined to be pathogenic (Ambry internal data). RNA studies have demonstrated that this alteration results in abnormal splicing in the set of samples tested (Ambry internal data). This variant was not reported in population-based cohorts in the Genome Aggregation Database (gnomAD). This nucleotide position is highly conserved in available vertebrate species. In silico splice site analysis predicts that this alteration will weaken the native splice donor site. Based on the majority of available evidence to date, this variant is likely to be pathogenic.

Labcorp Genetics (formerly Invitae), Labcorp
Classification: Likely pathogenic for Familial cancer of breast. Last evaluated: 2025-10-23. Review status: criteria provided, single submitter. Criteria: Invitae Variant Classification Sherloc (09022015). Collection method: clinical testing. Allele origin: germline.
Comment: This sequence change affects a donor splice site in intron 10 of the BARD1 gene. RNA analysis indicates that disruption of this splice site induces altered splicing and likely disrupts the C-terminus of the protein. This variant is not present in population databases (gnomAD no frequency). This variant has not been reported in the literature in individuals affected with BARD1-related conditions. ClinVar contains an entry for this variant (Variation ID: 481377). Variants that disrupt the consensus splice site are a relatively common cause of aberrant splicing (PMID: 17576681, 9536098). Studies have shown that disruption of this splice site results in intronic insertion and introduces a new termination codon (internal data). However the mRNA is not expected to undergo nonsense-mediated decay. This variant disrupts the C-terminal BRCT domain of BARD1 protein, which is required for chromosome stability and homology-directed repair (PMID: 17848578). A different variant (p.Val767fs) that lies downstream of this variant has been reported to affect BARD1 protein function (PMID: 30925164), this suggests that disruption of this region of the protein is causative of disease. In summary, the currently available evidence indicates that the variant is pathogenic, but additional data are needed to prove that conclusively. Therefore, this variant has been classified as Likely Pathogenic.

Color Diagnostics, LLC DBA Color Health
Classification: Likely pathogenic for Hereditary cancer-predisposing syndrome. Last evaluated: 2025-09-09. Review status: criteria provided, single submitter. Criteria: ACMG Guidelines, 2015. Collection method: clinical testing. Allele origin: germline.
Comment: This variant causes a G to C nucleotide substitution at the +1 position of intron 10 of the BARD1 gene. Splice site prediction tools predict that this variant may have a significant impact on RNA splicing, although this prediction has not been confirmed in published RNA studies. While the mutant transcript is predicted to escape nonsense-mediated decay and be expressed as a truncated protein, it is expected to disrupt the BRCT domain of the BARD1 protein. Multiple truncating variants in exon 11 of BARD1 which are also predicted to disrupt the BRCT domain are considered to be disease-causing (ClinVar), suggesting that this region is important for protein structure and function. To our knowledge, this variant has not been reported in individuals affected with hereditary cancer in the literature. This variant has not been identified in the general population by the Genome Aggregation Database (gnomAD). Loss of BARD1 function is a known mechanism of disease. Based on the available evidence, this variant is classified as Likely Pathogenic.

Baylor Genetics
Classification: Likely pathogenic for Familial cancer of breast. Last evaluated: 2024-01-17. Review status: criteria provided, single submitter. Criteria: ACMG Guidelines, 2015. Collection method: clinical testing. Allele origin: unknown.

Genomics, Clalit Research Institute, Clalit Health Care
Classification: Likely pathogenic for Familial cancer of breast. Last evaluated: 2024-01-01. Review status: criteria provided, single submitter. Criteria: ACMG Guidelines, 2015. Collection method: clinical testing. Allele origin: germline. Inheritance: Autosomal dominant inheritance. Affected: yes. Observed: 1 heterozygote.
Comment: Frequency: The variant is absent from the gnomAD reference population dataset. Variant type: Null variant (donor site) in a gene where LOF is a known mechanism of disease. Exon skipping disrupts reading frame. Not predicted to undergo NMD. Altered region is critical to protein function.

Myriad Genetics, Inc.
Classification: Likely pathogenic for Familial cancer of breast. Last evaluated: 2023-05-25. Review status: criteria provided, single submitter. Criteria: Myriad Autosomal Dominant, Autosomal Recessive and X-Linked Classification Criteria (2023). Collection method: clinical testing. Allele origin: unknown.
Comment: This variant is considered likely pathogenic. This variant occurs within a consensus splice junction and is predicted to result in abnormal mRNA splicing of either an out-of-frame exon or an in-frame exon necessary for protein stability and/or normal function.

Revvity Omics, Revvity
Classification: Likely pathogenic. Last evaluated: 2022-03-21. Review status: criteria provided, single submitter. Criteria: ACMG Guidelines, 2015. Collection method: clinical testing. Allele origin: germline.

Sema4
Classification: Likely pathogenic for Hereditary cancer-predisposing syndrome. Last evaluated: 2021-06-03. Review status: criteria provided, single submitter. Criteria: Sema4 Curation Guidelines. Collection method: curation. Allele origin: germline.
Comment: To the best of our knowledge, the BARD1 c.2001+1G>C variant has not been reported in individuals with BARD1-related disease. This variant affects a nucleotide within a consensus splice site of an intron. This variant may cause exon skipping, intron retention, or the use of a cryptic splice site. This variant is not reported in the population database Genome Aggregation Database (PMID: 32461654). This variant has been reported in ClinVar (Variation ID: 481377). Based on the current evidence available, this variant is interpreted as likely pathogenic.

Literature cited by the submitters: PubMed 17576681 (cited by Labcorp Genetics (formerly Invitae), Labcorp); PubMed 9536098 (cited by Labcorp Genetics (formerly Invitae), Labcorp); PubMed 17848578 (cited by Labcorp Genetics (formerly Invitae), Labcorp); PubMed 30925164 (cited by Labcorp Genetics (formerly Invitae), Labcorp).

NM_000465.4(BARD1):c.2001+1G>C

Gene: BARD1 (BRCA1 associated RING domain 1; minus strand). Cytogenetic location: 2q35.
Variant type: single nucleotide variant.
Coding change: c.2001+1G>C on transcript NM_000465.4 (MANE Select); the canonical splice donor site of the intron after coding-DNA position 2001, G replaced by C.
Molecular consequence: splice donor variant.
Genome position (GRCh38, 1-based): chr2:214,730,410, C>G on the plus strand (G>C on the coding strand, the complement: BARD1 is on the minus strand). VCF-style: chr2-214730410-C-G. GRCh37 (hg19) VCF-style: chr2-215595134-C-G.
Other names: c.591+1G>C (NM_001282548.2); c.1944+1G>C (NM_001282543.2); c.648+1G>C (NM_001282545.2); c.462+1G>C (NM_001282549.2).
Identifiers: ClinVar variation 481377 (VCV000481377.28), dbSNP rs768490891, ClinGen allele CA350451081.